The following is an entry in ClinVar:

NM_001365276.2(TNXB):c.316C>G (p.Arg106Gly)

Gene: TNXB (tenascin XB; minus strand). Cytogenetic location: 6p21.33.
Variant type: single nucleotide variant.
Coding change: c.316C>G on transcript NM_001365276.2 (MANE Select); coding-DNA position 316, C replaced by G.
Protein change: p.Arg106Gly; replaces arginine 106 with glycine.
Molecular consequence: missense variant.
Genome position (GRCh38, 1-based): chr6:32,097,883, G>C on the plus strand (C>G on the coding strand, the complement: TNXB is on the minus strand). VCF-style: chr6-32097883-G-C. GRCh37 (hg19) VCF-style: chr6-32065660-G-C.
Other names: c.316C>G, p.Arg106Gly (NM_019105.8); short protein forms R106G.
Identifiers: ClinVar variation 2562162 (VCV002562162.2), dbSNP rs1189846234, ClinGen allele CA363491699.
Genomic context (GRCh38, chr6:32,097,883, plus strand): 5'-AACATCCCCCAGTGCACTGTTCCTTGAGCCCCTTCACCAACTCCTCCAGGATCTCTAGAC[G>C]GACCCTCAGGGCCTGTACCTCTGAAGCAAGGACTGGGGGCTCGGTGCCTGGGGGACAGCC-3'
Protein context (NP_001352205.1, residues 96-116): LASEVQALRV[Arg106Gly]LEILEELVKG

ClinVar aggregate classification (germline): Uncertain significance (1 of 4 stars; one submission).

Conditions:
Cardiovascular phenotype. Identifiers: MedGen CN230736.

gnomAD v4.1: 8 of 1,570,416 alleles (0.00051%); highest among the groups gnomAD compares: African/African-American, 0.0013%; no homozygotes.

Submission:

Ambry Genetics
Classification: Uncertain significance for Cardiovascular phenotype. Last evaluated: 2023-05-26. Review status: criteria provided, single submitter. Criteria: Ambry Variant Classification Scheme 2023. Collection method: clinical testing. Allele origin: germline.
Comment: The p.R106G variant (also known as c.316C>G), located in coding exon 1 of the TNXB gene, results from a C to G substitution at nucleotide position 316. The arginine at codon 106 is replaced by glycine, an amino acid with dissimilar properties. This amino acid position is conserved. In addition, this alteration is predicted to be deleterious by in silico analysis. Since supporting evidence is limited at this time, the clinical significance of this alteration remains unclear.